The following is an entry in ClinVar:

ClinVar aggregate classification (germline): Pathogenic (1 of 4 stars; one submission).

Submission:

GeneDx
Classification: Pathogenic. Last evaluated: 2025-04-21. Review status: criteria provided, single submitter. Criteria: GeneDx Variant Classification Process June 2021. Collection method: clinical testing. Allele origin: germline. Affected: yes.
Comment: Nonsense variant predicted to result in protein truncation or nonsense mediated decay in a gene for which loss of function is a known mechanism of disease; Not observed at significant frequency in large population cohorts (gnomAD); This variant is associated with the following publications: (PMID: 39528278)

NM_001348323.3(TRIP12):c.3235C>T (p.Arg1079Ter)

Gene: TRIP12 (thyroid hormone receptor interactor 12; minus strand). Cytogenetic location: 2q36.3.
Variant type: single nucleotide variant.
Coding change: c.3235C>T on transcript NM_001348323.3 (MANE Select); coding-DNA position 3235, C replaced by T.
Protein change: p.Arg1079Ter; replaces arginine 1079 with a stop codon.
Molecular consequence: nonsense.
Genome position (GRCh38, 1-based): chr2:229,799,355, G>A on the plus strand (C>T on the coding strand, the complement: TRIP12 is on the minus strand). VCF-style: chr2-229799355-G-A. GRCh37 (hg19) VCF-style: chr2-230664071-G-A.
Other names: c.3154C>T, p.Arg1052Ter (NM_001284214.2, NM_001348315.2); c.3109C>T, p.Arg1037Ter (NM_001284215.2, NM_001348316.2, NM_001348317.1 and 1 more transcripts); c.2200C>T, p.Arg734Ter (NM_001284216.2); c.3235C>T, p.Arg1079Ter (NM_001348319.1, NM_001348320.2, NM_001348322.1 and 4 more transcripts); c.3238C>T, p.Arg1080Ter (NM_001348321.1, NM_001348328.1, NM_001348329.2 and 1 more transcripts); c.3028C>T, p.Arg1010Ter (NM_001348331.1); c.3148C>T, p.Arg1050Ter (NM_001348332.1); c.3157C>T, p.Arg1053Ter (NM_001348333.1); and 1 more; short protein forms R1004*, R1010*, R1037*, R1050*, R1052*, R1053*, R1079*, R1080*.
Identifiers: ClinVar variation 4527324 (VCV004527324.1).
Genomic context (GRCh38, chr2:229,799,355, plus strand): 5'-CTTTGTCATCATCTCTTGGAGGTGAGTACTTTGGCCTTCTTGGCCCTCGTTTTGGCAGTC[G>A]TTTTCTCTTTAGAACATCACTTAATCGACTGTCCATGGGAAAATATGAGATAAGTTTAGC-3'